The following is an entry in ClinVar:

NM_001358530.2(MOCS1):c.1183_1186del (p.Ala395fs)

Gene: MOCS1 (molybdenum cofactor synthesis 1; minus strand). Cytogenetic location: 6p21.2.
Variant type: Deletion.
Coding change: c.1183_1186del on transcript NM_001358530.2 (MANE Select); coding-DNA positions 1183 to 1186, 4 bases deleted (GCCA; older notation c.1183_1186delGCCA).
Protein change: p.Ala395fs; shifts the reading frame from alanine 395.
Molecular consequence: frameshift variant. On other transcripts: 3 prime UTR variant (4), non-coding transcript variant (1).
Genome position (GRCh38, 1-based): chr6:39,907,082-39,907,085, TGGC deleted on the plus strand (GCCA on the coding strand, the reverse complement: MOCS1 is on the minus strand); deleting any 4 consecutive bases within chr6:39,907,082-39,907,088 gives the same sequence; the c. name uses the placement nearest the transcript's 3' end. VCF-style (leftmost placement, unchanged base first): chr6-39907081-TTGGC-T. GRCh37 (hg19) VCF-style: chr6-39874857-TTGGC-T.
Other names: c.*40_*43del (NM_001075098.4, NM_001358533.2, NM_001358534.2 and 1 more transcripts); c.1135_1138del, p.Ala379fs (NM_001358529.2); c.922_925del, p.Ala308fs (NM_001358531.2); short protein forms A379fs, A395fs, A308fs.
Identifiers: ClinVar variation 2585104 (VCV002585104.1), dbSNP rs2482260881, ClinGen allele CA2582341696.

ClinVar aggregate classification (germline): Uncertain significance (1 of 4 stars; one submission).

Conditions:
Sulfite oxidase deficiency due to molybdenum cofactor deficiency type A. Also called: Molybdenum cofactor deficiency, complementation group A; Molybdenum Cofactor Deficiency A. Identifiers: Orphanet 308386, Orphanet 833, MedGen C1854988, MONDO:0009643, OMIM 252150.

Submission:

Neuberg Centre For Genomic Medicine, NCGM
Classification: Uncertain significance for Sulfite oxidase deficiency due to molybdenum cofactor deficiency type A. Review status: criteria provided, single submitter. Criteria: ACMG Guidelines, 2015. Collection method: clinical testing. Allele origin: germline. Inheritance: Autosomal recessive inheritance. Affected: yes.
Comment: The frame shift c.1183_1186del (p.Ala395IlefsTer15) Variant in MOCS1 gene has not been reported previously as a pathogenic variant nor as a benign variant, to our knowledge. The variant is novel (not in any individuals) in gnomAD Exomes and in 1000 Genomes. This variant causes a frameshift starting with codon Alanine 395, changes this amino acid to Isoleucine residue, and creates a premature Stop codon at position 15 of the new reading frame, denoted p.Ala395IlefsTer15. Loss of function variants have been previously reported to be disease causing. Since this variant is present in the last exon, functional studies will be required to prove protein truncation. Hence the variant is classified as Uncertain Significance